The following is an entry in ClinVar:

ClinVar aggregate classification (germline): Pathogenic (1 of 4 stars; one submission).

Submission:

Labcorp Genetics (formerly Invitae), Labcorp
Classification: Pathogenic. Last evaluated: 2023-03-16. Review status: criteria provided, single submitter. Criteria: Invitae Variant Classification Sherloc (09022015). Collection method: clinical testing. Allele origin: germline.
Comment: For these reasons, this variant has been classified as Pathogenic. Algorithms developed to predict the effect of sequence changes on RNA splicing suggest that this variant may disrupt the consensus splice site. This variant has not been reported in the literature in individuals affected with SLC19A2-related conditions. This variant is not present in population databases (gnomAD no frequency). This sequence change creates a premature translational stop signal (p.Val200Trpfs*28) in the SLC19A2 gene. It is expected to result in an absent or disrupted protein product. Loss-of-function variants in SLC19A2 are known to be pathogenic (PMID: 10391221, 10391223, 10874303).

Literature cited by the submitters: PubMed 10391221; PubMed 10391223; PubMed 10874303.

NM_006996.3(SLC19A2):c.597del (p.Val200fs)

Gene: SLC19A2 (solute carrier family 19 member 2; minus strand). Cytogenetic location: 1q24.2.
Variant type: Deletion.
Coding change: c.597del on transcript NM_006996.3 (MANE Select); coding-DNA position 597, one base deleted (A; older notation c.597delA).
Protein change: p.Val200fs; shifts the reading frame from valine 200.
Molecular consequence: frameshift variant. On other transcripts: intron variant (1).
Genome position (GRCh38, 1-based): chr1:169,477,365, T deleted on the plus strand (A on the coding strand, the reverse complement: SLC19A2 is on the minus strand). VCF-style (leftmost placement, unchanged base first): chr1-169477364-CT-C. GRCh37 (hg19) VCF-style: chr1-169446602-CT-C.
Other names: c.205-7179del (NM_001319667.1); short protein forms V200fs.
Identifiers: ClinVar variation 2846261 (VCV002846261.3), dbSNP rs2526256741, ClinGen allele CA2586964351.